The following is an entry in ClinVar:

NM_005656.4(TMPRSS2):c.-57+99G>T

Genes: TMPRSS2 (transmembrane serine protease 2; minus strand), LOC117134604 (TMPRSS2 promoter region; plus strand). Cytogenetic location: 21q22.3.
Variant type: single nucleotide variant.
Coding change: c.-57+99G>T on transcript NM_005656.4 (MANE Select); 99 bases into the intron after 57 bases upstream of the start codon, G replaced by T.
Molecular consequence: intron variant. On other transcripts: missense variant (1).
Genome position (GRCh38, 1-based): chr21:41,507,982, C>A on the plus strand (G>T on the coding strand, the complement: TMPRSS2 is on the minus strand). VCF-style: chr21-41507982-C-A. GRCh37 (hg19) VCF-style: chr21-42879909-C-A.
Other names: c.23G>T, p.Gly8Val (NM_001135099.1); c.-57+99G>T (NM_001382720.1); short protein forms G8V.
Identifiers: ClinVar variation 1273671 (VCV001273671.2), dbSNP rs75603675, ClinGen allele CA10034943.
Genomic context (GRCh38, chr21:41,507,982, plus strand): 5'-CCAGCGCTCGACCCTCGGGCGCACTCACCTGCCGCGCCGCGCTCCTCACACCCGCTTTCA[C>A]CTCCGGGCGGGGCAGGGGGCATCGGCGGGTCCCAGGCGCCCAGGTTCCCCTCCCCAGCCC-3'

ClinVar aggregate classification (germline): Benign. Review status: criteria provided, multiple submitters, no conflicts (2 of 4 stars). 2 submissions from 2 submitters: Benign (2). Last evaluated 2021-02-26.

Allele frequency attached by ClinVar (database versions not stated): 1000 Genomes Project 0.24381; 1000 Genomes Project 30x 0.25531; gnomAD exomes 0.34239 and 0.38461; TOPMed 0.35435; ExAC 0.35752; gnomAD 0.35834 and 0.36785.
gnomAD v4.1: 551,577 of 1,447,792 alleles (38%); highest among the groups gnomAD compares: Non-Finnish European, 41%; 109,268 homozygotes.

Submissions (2):

GeneDx
Classification: Benign. Last evaluated: 2021-02-26. Review status: criteria provided, single submitter. Criteria: GeneDx Variant Classification Process June 2021. Collection method: clinical testing. Allele origin: germline. Affected: yes.
Comment: This variant is associated with the following publications: (PMID: 32867305)

Breakthrough Genomics
Classification: Benign. Review status: criteria provided, single submitter. Criteria: ACMG Guidelines, 2015. Collection method: not provided. Allele origin: germline. Inheritance: Unknown mechanism. Affected: yes.